The following is an entry in ClinVar:

ClinVar aggregate classification (germline): Pathogenic (1 of 4 stars; one submission).

Conditions:
Alstrom syndrome (ALMS). Identifiers: Orphanet 64, MedGen C0268425, MONDO:0008763, OMIM 203800.

Submission:

Labcorp Genetics (formerly Invitae), Labcorp
Classification: Pathogenic for Alstrom syndrome. Last evaluated: 2024-01-18. Review status: criteria provided, single submitter. Criteria: Invitae Variant Classification Sherloc (09022015). Collection method: clinical testing. Allele origin: germline.
Comment: This sequence change creates a premature translational stop signal (p.Ser1740Glnfs*16) in the ALMS1 gene. It is expected to result in an absent or disrupted protein product. Loss-of-function variants in ALMS1 are known to be pathogenic (PMID: 17594715). This variant is not present in population databases (gnomAD no frequency). This variant has not been reported in the literature in individuals affected with ALMS1-related conditions. ClinVar contains an entry for this variant (Variation ID: 1430901). For these reasons, this variant has been classified as Pathogenic.

Literature cited by the submitters: PubMed 17594715.

NM_001378454.1(ALMS1):c.5215del (p.Ser1739fs)

Gene: ALMS1 (ALMS1 centrosome and basal body associated protein; plus strand). Cytogenetic location: 2p13.1.
Variant type: Deletion.
Coding change: c.5215del on transcript NM_001378454.1 (MANE Select); coding-DNA position 5215, one base deleted (T; older notation c.5215delT).
Protein change: p.Ser1739fs; shifts the reading frame from serine 1739.
Molecular consequence: frameshift variant.
Genome position (GRCh38, 1-based): chr2:73,451,742, T deleted; the last of 3 consecutive T bases (chr2:73,451,740-73,451,742); deleting any one gives the same sequence. VCF-style (leftmost placement, unchanged base first): chr2-73451739-GT-G. GRCh37 (hg19) VCF-style: chr2-73678866-GT-G.
Other names: c.5218del, p.Ser1740fs (NM_015120.4); short protein forms S1739fs, S1740fs.
Identifiers: ClinVar variation 1430901 (VCV001430901.6), dbSNP rs1195572987, ClinGen allele CA892814569.